The following is an entry in ClinVar:

ClinVar aggregate classification (germline): Uncertain significance (1 of 4 stars; one submission).

Submission:

Labcorp Genetics (formerly Invitae), Labcorp
Classification: Uncertain significance. Last evaluated: 2022-11-17. Review status: criteria provided, single submitter. Criteria: Invitae Variant Classification Sherloc (09022015). Collection method: clinical testing. Allele origin: germline.
Comment: Algorithms developed to predict the effect of missense changes on protein structure and function are either unavailable or do not agree on the potential impact of this missense change (SIFT: "Deleterious"; PolyPhen-2: "Probably Damaging"; Align-GVGD: "Class C0"). In summary, the available evidence is currently insufficient to determine the role of this variant in disease. Therefore, it has been classified as a Variant of Uncertain Significance. This variant has not been reported in the literature in individuals affected with CDH2-related conditions. This sequence change replaces lysine, which is basic and polar, with asparagine, which is neutral and polar, at codon 747 of the CDH2 protein (p.Lys747Asn). This variant is not present in population databases (gnomAD no frequency).

NM_001792.5(CDH2):c.2241A>T (p.Lys747Asn)

Gene: CDH2 (cadherin 2; minus strand). Cytogenetic location: 18q12.1.
Variant type: single nucleotide variant.
Coding change: c.2241A>T on transcript NM_001792.5 (MANE Select); coding-DNA position 2241, A replaced by T.
Protein change: p.Lys747Asn; replaces lysine 747 with asparagine.
Molecular consequence: missense variant.
Genome position (GRCh38, 1-based): chr18:27,983,052, T>A on the plus strand (A>T on the coding strand, the complement: CDH2 is on the minus strand). VCF-style: chr18-27983052-T-A. GRCh37 (hg19) VCF-style: chr18-25563016-T-A.
Other names: c.2148A>T, p.Lys716Asn (NM_001308176.2); short protein forms K716N, K747N.
Identifiers: ClinVar variation 2814826 (VCV002814826.3), dbSNP rs2510790663, ClinGen allele CA402106331.